The following is an entry in ClinVar:

NM_015466.4(PTPN23):c.271G>A (p.Ala91Thr)

Gene: PTPN23 (protein tyrosine phosphatase non-receptor type 23; plus strand). Cytogenetic location: 3p21.31.
Variant type: single nucleotide variant.
Coding change: c.271G>A on transcript NM_015466.4 (MANE Select); coding-DNA position 271, G replaced by A.
Protein change: p.Ala91Thr; replaces alanine 91 with threonine.
Molecular consequence: missense variant. On other transcripts: intron variant (1).
Genome position (GRCh38, 1-based): chr3:47,404,763, G>A. VCF-style: chr3-47404763-G-A. GRCh37 (hg19) VCF-style: chr3-47446253-G-A.
Other names: c.-91-242G>A (NM_001304482.2); c.271G>A (NM_015466.2); short protein forms A91T.
Identifiers: ClinVar variation 2979153 (VCV002979153.2), dbSNP rs760010594, ClinGen allele CA2365259.

ClinVar aggregate classification (germline): Uncertain significance. Review status: criteria provided, multiple submitters, no conflicts (2 of 4 stars). 2 submissions from 2 submitters: Uncertain significance (2). Last evaluated 2024-01-28.

Allele frequency attached by ClinVar (database versions not stated): ExAC 0.00001.
gnomAD v4.1: 11 of 1,613,656 alleles (0.00068%); highest among the groups gnomAD compares: Admixed American, 0.0067%; no homozygotes.

Submissions (2):

GeneDx
Classification: Uncertain significance. Last evaluated: 2024-01-28. Review status: criteria provided, single submitter. Criteria: GeneDx Variant Classification Process June 2021. Collection method: clinical testing. Allele origin: germline. Affected: yes.
Comment: Not observed at significant frequency in large population cohorts (gnomAD); In silico analysis supports that this missense variant does not alter protein structure/function; Has not been previously published as pathogenic or benign to our knowledge

Labcorp Genetics (formerly Invitae), Labcorp
Classification: Uncertain significance. Last evaluated: 2023-11-24. Review status: criteria provided, single submitter. Criteria: Invitae Variant Classification Sherloc (09022015). Collection method: clinical testing. Allele origin: germline.
Comment: This sequence change replaces alanine, which is neutral and non-polar, with threonine, which is neutral and polar, at codon 91 of the PTPN23 protein (p.Ala91Thr). This variant is present in population databases (rs760010594, gnomAD 0.003%). This variant has not been reported in the literature in individuals affected with PTPN23-related conditions. Experimental studies and prediction algorithms are not available or were not evaluated, and the functional significance of this variant is currently unknown. In summary, the available evidence is currently insufficient to determine the role of this variant in disease. Therefore, it has been classified as a Variant of Uncertain Significance.